The following is an entry in ClinVar:

ClinVar aggregate classification (germline): Uncertain significance (1 of 4 stars; one submission).

Conditions:
Multiple congenital exostosis (EXT). Also called: Hereditary multiple osteochondromas; MULTIPLE CARTILAGINOUS EXOSTOSES; Multiple exostoses; Hereditary multiple exostoses; Hereditary multiple exostosis; Multiple osteochondromas. Identifiers: Orphanet 321, MedGen C0015306, MONDO:0005508, HP:0002762.

Allele frequency attached by ClinVar (database versions not stated): gnomAD exomes below 0.00001.
gnomAD v4.1: 1 of 1,611,918 alleles (0.000062%); highest among the groups gnomAD compares: Admixed American, 0.0017%; no homozygotes.

Submission:

Labcorp Genetics (formerly Invitae), Labcorp
Classification: Uncertain significance for Multiple congenital exostosis. Last evaluated: 2024-11-16. Review status: criteria provided, single submitter. Criteria: Invitae Variant Classification Sherloc (09022015). Collection method: clinical testing. Allele origin: germline.
Comment: This sequence change falls in intron 6 of the EXT1 gene. It does not directly change the encoded amino acid sequence of the EXT1 protein. It affects a nucleotide within the consensus splice site. This variant is not present in population databases (gnomAD no frequency). This variant has not been reported in the literature in individuals affected with EXT1-related conditions. ClinVar contains an entry for this variant (Variation ID: 1409998). Variants that disrupt the consensus splice site are a relatively common cause of aberrant splicing (PMID: 17576681, 9536098). Algorithms developed to predict the effect of sequence changes on RNA splicing suggest that this variant is not likely to affect RNA splicing. In summary, the available evidence is currently insufficient to determine the role of this variant in disease. Therefore, it has been classified as a Variant of Uncertain Significance.

Literature cited by the submitters: PubMed 17576681; PubMed 9536098.

NM_000127.3(EXT1):c.1536+3G>A

Gene: EXT1 (exostosin glycosyltransferase 1; minus strand). Cytogenetic location: 8q24.11.
Variant type: single nucleotide variant.
Coding change: c.1536+3G>A on transcript NM_000127.3 (MANE Select); 3 bases into the intron after coding-DNA position 1536, G replaced by A.
Molecular consequence: intron variant.
Genome position (GRCh38, 1-based): chr8:117,819,673, C>T on the plus strand (G>A on the coding strand, the complement: EXT1 is on the minus strand). VCF-style: chr8-117819673-C-T. GRCh37 (hg19) VCF-style: chr8-118831912-C-T.
Identifiers: ClinVar variation 1409998 (VCV001409998.6), dbSNP rs2129740657, ClinGen allele CA2573142819.